The following is an entry in ClinVar:

ClinVar aggregate classification (germline): Pathogenic (1 of 4 stars; one submission).

Submission:

Labcorp Genetics (formerly Invitae), Labcorp
Classification: Pathogenic. Last evaluated: 2025-07-13. Review status: criteria provided, single submitter. Criteria: Invitae Variant Classification Sherloc (09022015). Collection method: clinical testing. Allele origin: germline.
Comment: This sequence change creates a premature translational stop signal (p.Asp371Alafs*33) in the COL4A4 gene. It is expected to result in an absent or disrupted protein product. Loss-of-function variants in COL4A4 are known to be pathogenic (PMID: 21196518, 24854265, 25307543). This variant is not present in population databases (gnomAD no frequency). This variant has not been reported in the literature in individuals affected with COL4A4-related conditions. For these reasons, this variant has been classified as Pathogenic.

Literature cited by the submitters: PubMed 21196518; PubMed 24854265; PubMed 25307543.

NM_000092.5(COL4A4):c.1112del (p.Asp371fs)

Gene: COL4A4 (collagen type IV alpha 4 chain; minus strand). Cytogenetic location: 2q36.3.
Variant type: Deletion.
Coding change: c.1112del on transcript NM_000092.5 (MANE Select); coding-DNA position 1112, one base deleted (A; older notation c.1112delA).
Protein change: p.Asp371fs; shifts the reading frame from aspartic acid 371.
Molecular consequence: frameshift variant.
Genome position (GRCh38, 1-based): chr2:227,098,786, T deleted on the plus strand (A on the coding strand, the reverse complement: COL4A4 is on the minus strand). VCF-style (leftmost placement, unchanged base first): chr2-227098785-GT-G. GRCh37 (hg19) VCF-style: chr2-227963501-GT-G.
Other names: short protein forms D371fs.
Identifiers: ClinVar variation 4723166 (VCV004723166.1).